The following is an entry in ClinVar:

NM_000257.4(MYH7):c.3139G>C (p.Asp1047His)

Gene: MYH7 (myosin heavy chain 7; minus strand). Cytogenetic location: 14q11.2.
Variant type: single nucleotide variant.
Coding change: c.3139G>C on transcript NM_000257.4 (MANE Select); coding-DNA position 3139, G replaced by C.
Protein change: p.Asp1047His; replaces aspartic acid 1047 with histidine.
Molecular consequence: missense variant.
Genome position (GRCh38, 1-based): chr14:23,422,286, C>G on the plus strand (G>C on the coding strand, the complement: MYH7 is on the minus strand). VCF-style: chr14-23422286-C-G. GRCh37 (hg19) VCF-style: chr14-23891495-C-G.
Other names: c.3139G>C, p.Asp1047His (NM_001407004.1); short protein forms D1047H.
Identifiers: ClinVar variation 1921562 (VCV001921562.10), dbSNP rs2502272771, ClinGen allele CA389045408.

ClinVar aggregate classification (germline): Uncertain significance. Review status: criteria provided, multiple submitters, no conflicts (2 of 4 stars). 3 submissions from 3 submitters: Uncertain significance (3). Last evaluated 2025-09-03.

Conditions:
Hypertrophic cardiomyopathy. Also called: HYPERTROPHIC MYOCARDIOPATHY. Identifiers: Orphanet 217569, MedGen C0007194, MeSH D002312, MONDO:0005045, HP:0001639.
Cardiomyopathy (CMYO). Also called: Cardiomyopathies. Identifiers: Orphanet 167848, MedGen C0878544, MONDO:0004994, HP:0001638. Inheritance: Various modes of inheritance.

Allele frequency attached by ClinVar (database versions not stated): gnomAD exomes below 0.00001.
gnomAD v4.1: 2 of 1,614,194 alleles (0.00012%); highest among the groups gnomAD compares: Non-Finnish European, 0.00017%; no homozygotes.

Submissions (3):

Labcorp Genetics (formerly Invitae), Labcorp
Classification: Uncertain significance for Hypertrophic cardiomyopathy. Last evaluated: 2025-09-03. Review status: criteria provided, single submitter. Criteria: Invitae Variant Classification Sherloc (09022015). Collection method: clinical testing. Allele origin: germline.
Comment: This sequence change replaces aspartic acid, which is acidic and polar, with histidine, which is basic and polar, at codon 1047 of the MYH7 protein (p.Asp1047His). This variant is not present in population databases (gnomAD no frequency). This variant has not been reported in the literature in individuals affected with MYH7-related conditions. ClinVar contains an entry for this variant (Variation ID: 1921562). Invitae Evidence Modeling of protein sequence and biophysical properties (such as structural, functional, and spatial information, amino acid conservation, physicochemical variation, residue mobility, and thermodynamic stability) indicates that this missense variant is expected to disrupt MYH7 protein function with a positive predictive value of 95%. In summary, the available evidence is currently insufficient to determine the role of this variant in disease. Therefore, it has been classified as a Variant of Uncertain Significance.

Color Diagnostics, LLC DBA Color Health
Classification: Uncertain significance for Cardiomyopathy. Last evaluated: 2024-03-07. Review status: criteria provided, single submitter. Criteria: ACMG Guidelines, 2015. Collection method: clinical testing. Allele origin: germline.
Comment: This missense variant replaces aspartic acid with histidine at codon 1047 of the MYH7 protein. Computational prediction suggests that this variant may have deleterious impact on protein structure and function (internally defined REVEL score threshold >= 0.7, PMID: 27666373). To our knowledge, functional studies have not been reported for this variant. This variant has not been reported in individuals affected with cardiovascular disorders in the literature. This variant has not been identified in the general population by the Genome Aggregation Database (gnomAD). The available evidence is insufficient to determine the role of this variant in disease conclusively. Therefore, this variant is classified as a Variant of Uncertain Significance.

Revvity Omics, Revvity
Classification: Uncertain significance. Last evaluated: 2022-08-12. Review status: criteria provided, single submitter. Criteria: ACMG Guidelines, 2015. Collection method: clinical testing. Allele origin: germline.